The following is an entry in ClinVar:

NM_006361.6(HOXB13):c.266C>T (p.Ser89Phe)

Gene: HOXB13 (homeobox B13; minus strand). Cytogenetic location: 17q21.32.
Variant type: single nucleotide variant.
Coding change: c.266C>T on transcript NM_006361.6 (MANE Select); coding-DNA position 266, C replaced by T.
Protein change: p.Ser89Phe; replaces serine 89 with phenylalanine.
Molecular consequence: missense variant.
Genome position (GRCh38, 1-based): chr17:48,728,328, G>A on the plus strand (C>T on the coding strand, the complement: HOXB13 is on the minus strand). VCF-style: chr17-48728328-G-A. GRCh37 (hg19) VCF-style: chr17-46805690-G-A.
Other names: short protein forms S89F.
Identifiers: ClinVar variation 2422016 (VCV002422016.6), dbSNP rs2509515559, ClinGen allele CA400107802.

ClinVar aggregate classification (germline): Uncertain significance (1 of 4 stars; one submission).

Allele frequency attached by ClinVar (database versions not stated): gnomAD exomes below 0.00001.

Submission:

Labcorp Genetics (formerly Invitae), Labcorp
Classification: Uncertain significance. Last evaluated: 2021-12-04. Review status: criteria provided, single submitter. Criteria: Invitae Variant Classification Sherloc (09022015). Collection method: clinical testing. Allele origin: germline.
Comment: In summary, the available evidence is currently insufficient to determine the role of this variant in disease. Therefore, it has been classified as a Variant of Uncertain Significance. Algorithms developed to predict the effect of missense changes on protein structure and function are either unavailable or do not agree on the potential impact of this missense change (SIFT: "Deleterious"; PolyPhen-2: "Probably Damaging"; Align-GVGD: "Class C0"). This variant has not been reported in the literature in individuals affected with HOXB13-related conditions. This variant is not present in population databases (gnomAD no frequency). This sequence change replaces serine, which is neutral and polar, with phenylalanine, which is neutral and non-polar, at codon 89 of the HOXB13 protein (p.Ser89Phe).